The following is an entry in ClinVar:

ClinVar aggregate classification (germline): Uncertain significance. Review status: criteria provided, multiple submitters, no conflicts (2 of 4 stars). 7 submissions from 6 submitters: Uncertain significance (7). Last evaluated 2025-06-25.

Conditions:
Lethal Kniest-like syndrome (DDSH). Also called: Dyssegmental Dysplasia. Identifiers: Orphanet 1865, MedGen C1857100, MONDO:0009140, OMIM 224410.
Schwartz-Jampel syndrome. Also called: Myotonic myopathy dwarfism chondrodystrophy and ocular and facial abnormalities. Identifiers: Orphanet 800, MedGen C0036391, MONDO:0009717.
Inborn genetic diseases. Identifiers: MedGen C0950123, MeSH D030342.

Allele frequency attached by ClinVar (database versions not stated): ExAC 0.00013; ESP Exome Variant Server 0.00015; TOPMed 0.00017; gnomAD exomes 0.00009 and 0.00016; gnomAD 0.00014.
gnomAD v4.1: 262 of 1,613,994 alleles (0.016%); highest among the groups gnomAD compares: Non-Finnish European, 0.021%; 1 homozygote.

Submissions (7):

Ambry Genetics
Classification: Uncertain significance for Inborn genetic diseases. Last evaluated: 2025-06-25. Review status: criteria provided, single submitter. Criteria: Ambry Variant Classification Scheme 2023. Collection method: clinical testing. Allele origin: germline.

Labcorp Genetics (formerly Invitae), Labcorp
Classification: Uncertain significance. Last evaluated: 2024-07-23. Review status: criteria provided, single submitter. Criteria: Invitae Variant Classification Sherloc (09022015). Collection method: clinical testing. Allele origin: germline.
Comment: This sequence change replaces leucine, which is neutral and non-polar, with histidine, which is basic and polar, at codon 2024 of the HSPG2 protein (p.Leu2024His). This variant is present in population databases (rs145943896, gnomAD 0.02%). This variant has not been reported in the literature in individuals affected with HSPG2-related conditions. ClinVar contains an entry for this variant (Variation ID: 876383). An algorithm developed to predict the effect of missense changes on protein structure and function (PolyPhen-2) suggests that this variant is likely to be disruptive. In summary, the available evidence is currently insufficient to determine the role of this variant in disease. Therefore, it has been classified as a Variant of Uncertain Significance.

GeneDx
Classification: Uncertain significance. Last evaluated: 2024-05-23. Review status: criteria provided, single submitter. Criteria: GeneDx Variant Classification Process June 2021. Collection method: clinical testing. Allele origin: germline. Affected: yes.
Comment: In silico analysis supports that this missense variant has a deleterious effect on protein structure/function; Has not been previously published as pathogenic or benign to our knowledge

Blueprint Genetics
Classification: Uncertain significance. Last evaluated: 2023-11-23. Review status: criteria provided, single submitter. Criteria: ACMG Guidelines, 2015. Collection method: clinical testing. Allele origin: germline.

Revvity Omics, Revvity
Classification: Uncertain significance. Last evaluated: 2019-11-18. Review status: criteria provided, single submitter. Criteria: ACMG Guidelines, 2015. Collection method: clinical testing. Allele origin: germline.

Illumina Laboratory Services, Illumina
Classification: Uncertain significance for Lethal Kniest-like syndrome. Last evaluated: 2018-01-13. Review status: criteria provided, single submitter. Criteria: ICSL Variant Classification Criteria 13 December 2019. Collection method: clinical testing. Allele origin: germline.

Illumina Laboratory Services, Illumina
Classification: Uncertain significance for Schwartz-Jampel syndrome type 1. Last evaluated: 2018-01-13. Review status: criteria provided, single submitter. Criteria: ICSL Variant Classification Criteria 13 December 2019. Collection method: clinical testing. Allele origin: germline.

NM_005529.7(HSPG2):c.6071T>A (p.Leu2024His)

Gene: HSPG2 (heparan sulfate proteoglycan 2; minus strand). Cytogenetic location: 1p36.12.
Variant type: single nucleotide variant.
Coding change: c.6071T>A on transcript NM_005529.7 (MANE Select); coding-DNA position 6071, T replaced by A.
Protein change: p.Leu2024His; replaces leucine 2024 with histidine.
Molecular consequence: missense variant.
Genome position (GRCh38, 1-based): chr1:21,854,910, A>T on the plus strand (T>A on the coding strand, the complement: HSPG2 is on the minus strand). VCF-style: chr1-21854910-A-T. GRCh37 (hg19) VCF-style: chr1-22181403-A-T.
Other names: c.6074T>A, p.Leu2025His (NM_001291860.2); short protein forms L2024H, L2025H.
Identifiers: ClinVar variation 876383 (VCV000876383.12), dbSNP rs145943896, ClinGen allele CA671682.